The following is an entry in ClinVar:

NM_004006.3(DMD):c.5025+1del

Gene: DMD (dystrophin; minus strand). Cytogenetic location: Xp21.1.
Variant type: Deletion.
Coding change: c.5025+1del on transcript NM_004006.3 (MANE Select); the canonical splice donor site of the intron after coding-DNA position 5025, one base deleted (G; older notation c.5025+1delG).
Molecular consequence: splice donor variant.
Genome position (GRCh38, 1-based): chrX:32,365,019, C deleted on the plus strand (G on the coding strand, the reverse complement: DMD is on the minus strand); the first of 2 consecutive C bases (chrX:32,365,019-32,365,020); deleting either gives the same sequence. VCF-style (leftmost placement, unchanged base first): chrX-32365018-AC-A. GRCh37 (hg19) VCF-style: chrX-32383135-AC-A.
Other names: c.5001+1del (NM_000109.4); c.1002+1del (NM_004011.4); c.993+1del (NM_004012.4); c.5013+1del (NM_004009.3); c.4656+1del (NM_004010.3).
Identifiers: ClinVar variation 2829882 (VCV002829882.3), dbSNP rs2522565802, ClinGen allele CA2739273453.

ClinVar aggregate classification (germline): Likely pathogenic (1 of 4 stars; one submission).

Conditions:
Duchenne muscular dystrophy (DMD). Also called: MUSCULAR DYSTROPHY, PSEUDOHYPERTROPHIC PROGRESSIVE, DUCHENNE TYPE; Duchenne Muscular Dystrophy (DMD). Identifiers: Orphanet 98896, MedGen C0013264, MONDO:0010679, OMIM 310200.

Submission:

Labcorp Genetics (formerly Invitae), Labcorp
Classification: Likely pathogenic for Duchenne muscular dystrophy. Last evaluated: 2023-01-18. Review status: criteria provided, single submitter. Criteria: Invitae Variant Classification Sherloc (09022015). Collection method: clinical testing. Allele origin: germline.
Comment: This variant is not present in population databases (gnomAD no frequency). In summary, the currently available evidence indicates that the variant is pathogenic, but additional data are needed to prove that conclusively. Therefore, this variant has been classified as Likely Pathogenic. Algorithms developed to predict the effect of sequence changes on RNA splicing suggest that this variant may disrupt the consensus splice site. This variant has not been reported in the literature in individuals affected with DMD-related conditions. This sequence change affects a splice site in intron 35 of the DMD gene. It is expected to disrupt RNA splicing. Variants that disrupt the donor or acceptor splice site typically lead to a loss of protein function (PMID: 16199547), and loss-of-function variants in DMD are known to be pathogenic (PMID: 16770791, 25007885).

Literature cited by the submitters: PubMed 16199547; PubMed 16770791; PubMed 25007885.